The following is an entry in ClinVar:

ClinVar aggregate classification (germline): Benign (1 of 4 stars; one submission).

Conditions:
Familial adenomatous polyposis 1 (FAP1). Also called: POLYPOSIS, ADENOMATOUS INTESTINAL; FAMILIAL ADENOMATOUS POLYPOSIS 1, ATTENUATED. Identifiers: MedGen C2713442, MONDO:0021056, OMIM 175100. Disease mechanism: loss of function.

Submission:

Myriad Genetics, Inc.
Classification: Benign for Familial adenomatous polyposis 1. Last evaluated: 2024-03-27. Review status: criteria provided, single submitter. Criteria: Myriad Autosomal Dominant, Autosomal Recessive and X-Linked Classification Criteria (2023). Collection method: clinical testing. Allele origin: unknown.
Comment: This variant is considered benign. This variant is a silent/synonymous amino acid change and it is not expected to impact splicing.

NM_000038.6(APC):c.4560G>A (p.Val1520=)

Gene: APC (APC regulator of Wnt signaling pathway; plus strand). Cytogenetic location: 5q22.2.
Variant type: single nucleotide variant.
Coding change: c.4560G>A on transcript NM_000038.6 (MANE Select); coding-DNA position 4560, G replaced by A.
Protein change: p.Val1520=; no amino-acid change (valine 1520 retained).
Molecular consequence: synonymous variant. On other transcripts: non-coding transcript variant (2).
Genome position (GRCh38, 1-based): chr5:112,840,154, G>A. VCF-style: chr5-112840154-G-A. GRCh37 (hg19) VCF-style: chr5-112175851-G-A.
Other names: c.4560G>A, p.Val1520= (NM_001127510.3, NM_001354895.2, NM_001407450.1); c.4506G>A, p.Val1502= (NM_001127511.3); c.4614G>A, p.Val1538= (NM_001354896.2, NM_001407447.1, NM_001407448.1 and 1 more transcripts); c.4590G>A, p.Val1530= (NM_001354897.2); c.4485G>A, p.Val1495= (NM_001354898.2); c.4476G>A, p.Val1492= (NM_001354899.2); c.4437G>A, p.Val1479= (NM_001354900.2); c.4383G>A, p.Val1461= (NM_001354901.2, NM_001407453.1); and 11 more.
Identifiers: ClinVar variation 3148163 (VCV003148163.1), dbSNP rs2149917571, ClinGen allele CA446206585.